The following is an entry in ClinVar:

NM_007294.4(BRCA1):c.3220A>T (p.Arg1074Ter)

Genes: BRCA1 (BRCA1 DNA repair associated; minus strand), LOC126862571 (BRD4-independent group 4 enhancer GRCh37_chr17:41243136-41244335; plus strand). Cytogenetic location: 17q21.31.
Variant type: single nucleotide variant.
Coding change: c.3220A>T on transcript NM_007294.4 (MANE Select); coding-DNA position 3220, A replaced by T.
Protein change: p.Arg1074Ter; replaces arginine 1074 with a stop codon.
Molecular consequence: nonsense. On other transcripts: intron variant (137).
Genome position (GRCh38, 1-based): chr17:43,092,311, T>A on the plus strand (A>T on the coding strand, the complement: BRCA1 is on the minus strand). VCF-style: chr17-43092311-T-A. GRCh37 (hg19) VCF-style: chr17-41244328-T-A.
Other names: c.3094A>T, p.Arg1032Ter (NM_001407941.1, NM_001407649.1, NM_001407670.1 and 11 more transcripts); c.3079A>T, p.Arg1027Ter (NM_001407942.1, NM_001407944.1, NM_001407945.1 and 29 more transcripts); c.2887A>T, p.Arg963Ter (NM_001407946.1, NM_001407947.1, NM_001407948.1 and 6 more transcripts); c.3076A>T, p.Arg1026Ter (NM_001407943.1, NM_001407964.1, NM_001407740.1 and 20 more transcripts); c.524-1279A>T (NM_001408498.1, NM_001408501.1, NM_001408500.1 and 3 more transcripts); c.647-1279A>T (NM_001408467.1, NM_001408459.1, NM_001408469.1 and 11 more transcripts); c.584-1279A>T (NM_001408475.1); c.710-1279A>T (NM_001408412.1, NM_001408409.1, NM_001408414.1 and 2 more transcripts); and 41 more; short protein forms R1027*, R1048*, R946*, R962*, R985*, R1033*, R1047*, R1074*.
Identifiers: ClinVar variation 2032848 (VCV002032848.4), dbSNP rs80357263, ClinGen allele CA10595542.

ClinVar aggregate classification (germline): Pathogenic (1 of 4 stars; one submission).

Conditions:
Hereditary breast ovarian cancer syndrome. Also called: Hereditary breast and/or ovarian cancer syndrome; BRCA1- and BRCA2-Associated Hereditary Breast and Ovarian Cancer; Breast and ovarian cancer; Hereditary breast and ovarian cancer; Hereditary breast and ovarian cancer syndrome (HBOC); Hereditary breast and ovarian cancer syndrome. Identifiers: Orphanet 145, MedGen C0677776, MeSH D061325, MONDO:0003582. Disease mechanism: loss of function.

Submission:

Labcorp Genetics (formerly Invitae), Labcorp
Classification: Pathogenic for Hereditary breast ovarian cancer syndrome. Last evaluated: 2022-09-27. Review status: criteria provided, single submitter. Criteria: Invitae Variant Classification Sherloc (09022015). Collection method: clinical testing. Allele origin: germline.
Comment: For these reasons, this variant has been classified as Pathogenic. This variant has not been reported in the literature in individuals affected with BRCA1-related conditions. This variant is not present in population databases (gnomAD no frequency). This sequence change creates a premature translational stop signal (p.Arg1074*) in the BRCA1 gene. It is expected to result in an absent or disrupted protein product. Loss-of-function variants in BRCA1 are known to be pathogenic (PMID: 20104584).

Literature cited by the submitters: PubMed 20104584.